The following is an entry in ClinVar:

ClinVar aggregate classification (germline): Likely benign (1 of 4 stars; one submission).

Conditions:
Leigh syndrome (NULS). Also called: Leigh's necrotizing encephalopathy; Leigh's disease; Leigh's syndrome; LEIGH SYNDROME, NUCLEAR; Leigh Syndrome (mtDNA deletion); Leigh Disease. Identifiers: Orphanet 506, MedGen C2931891, MONDO:0009723, OMIM 256000.

Submission:

Wong Mito Lab, Molecular and Human Genetics, Baylor College of Medicine
Classification: Likely benign for Leigh syndrome. Last evaluated: 2019-10-17. Review status: criteria provided, single submitter. Criteria: Modified ACMG Guidelines (Unpublished). Collection method: clinical testing. Allele origin: germline.
Comment: The NC_012920.1:m.14996G>A (YP_003024038.1:p.Ala84Thr) variant in MTCYB gene is interpretated to be a Likely Benign variant based on the modified ACMG guidelines (unpublished). This variant meets the following evidence codes: BS1, BP4

NC_012920.1(MT-CYB):m.14996G>A

Gene: MT-CYB (mitochondrially encoded cytochrome b; plus strand).
Variant type: single nucleotide variant.
Genome position: chrM-14996-G-A.
Identifiers: ClinVar variation 693806 (VCV000693806.1), dbSNP rs1603225010, ClinGen allele CA913172660.
Genomic context (GRCh38, chrMT:14,996, plus strand): 5'-TCATCAATCGCCCACATCACTCGAGACGTAAATTATGGCTGAATCATCCGCTACCTTCAC[G>A]CCAATGGCGCCTCAATATTCTTTATCTGCCTCTTCCTACACATCGGGCGAGGCCTATATT-3'